The following is an entry in ClinVar:

NM_001242896.3(DEPDC5):c.4580G>C (p.Arg1527Pro)

Gene: DEPDC5 (DEP domain containing 5, GATOR1 subcomplex subunit; plus strand). Cytogenetic location: 22q12.3.
Variant type: single nucleotide variant.
Coding change: c.4580G>C on transcript NM_001242896.3 (MANE Select); coding-DNA position 4580, G replaced by C.
Protein change: p.Arg1527Pro; replaces arginine 1527 with proline.
Molecular consequence: missense variant. On other transcripts: non-coding transcript variant (5).
Genome position (GRCh38, 1-based): chr22:31,906,265, G>C. VCF-style: chr22-31906265-G-C. GRCh37 (hg19) VCF-style: chr22-32302251-G-C.
Other names: c.4580G>C (NM_001242896.1); c.4553G>C, p.Arg1518Pro (NM_001136029.4); c.4280G>C, p.Arg1427Pro (NM_001242897.2); c.4514G>C, p.Arg1505Pro (NM_001363852.2, NM_001364320.2); c.4346G>C, p.Arg1449Pro (NM_001363854.2, NM_001364319.2); c.4580G>C, p.Arg1527Pro (NM_001364318.2); c.4496G>C, p.Arg1499Pro (NM_001369901.1, NM_001369902.1); c.4487G>C, p.Arg1496Pro (NM_001369903.1, NM_014662.6); short protein forms R1427P, R1499P, R1518P, R1505P, R1527P, R1449P, R1496P.
Identifiers: ClinVar variation 3679762 (VCV003679762.3).

ClinVar aggregate classification (germline): Uncertain significance. Review status: criteria provided, multiple submitters, no conflicts (2 of 4 stars). 2 submissions from 2 submitters: Uncertain significance (2). Last evaluated 2025-03-12.

Conditions:
Familial focal epilepsy with variable foci (FPEVF). Identifiers: Orphanet 98820, MedGen C1858477, MONDO:0020310.

Submissions (2):

GeneDx
Classification: Uncertain significance. Last evaluated: 2025-03-12. Review status: criteria provided, single submitter. Criteria: GeneDx Variant Classification Process June 2021. Collection method: clinical testing. Allele origin: germline. Affected: yes.
Comment: Not observed at significant frequency in large population cohorts (gnomAD); In silico analysis indicates that this missense variant does not alter protein structure/function; Has not been previously published as pathogenic or benign to our knowledge

Labcorp Genetics (formerly Invitae), Labcorp
Classification: Uncertain significance for Familial focal epilepsy with variable foci. Last evaluated: 2024-02-22. Review status: criteria provided, single submitter. Criteria: Invitae Variant Classification Sherloc (09022015). Collection method: clinical testing. Allele origin: germline.
Comment: This sequence change replaces arginine, which is basic and polar, with proline, which is neutral and non-polar, at codon 1527 of the DEPDC5 protein (p.Arg1527Pro). This variant is not present in population databases (gnomAD no frequency). This variant has not been reported in the literature in individuals affected with DEPDC5-related conditions. Experimental studies and prediction algorithms are not available or were not evaluated, and the functional significance of this variant is currently unknown. In summary, the available evidence is currently insufficient to determine the role of this variant in disease. Therefore, it has been classified as a Variant of Uncertain Significance.